The following is an entry in ClinVar:

ClinVar aggregate classification (germline): Uncertain significance (1 of 4 stars; one submission).

Submission:

Labcorp Genetics (formerly Invitae), Labcorp
Classification: Uncertain significance. Last evaluated: 2025-08-10. Review status: criteria provided, single submitter. Criteria: Invitae Variant Classification Sherloc (09022015). Collection method: clinical testing. Allele origin: germline.
Comment: This sequence change replaces arginine, which is basic and polar, with leucine, which is neutral and non-polar, at codon 796 of the FBN3 protein (p.Arg796Leu). This variant is not present in population databases (gnomAD no frequency). This variant has not been reported in the literature in individuals affected with FBN3-related conditions. Invitae Evidence Modeling of protein sequence and biophysical properties (such as structural, functional, and spatial information, amino acid conservation, physicochemical variation, residue mobility, and thermodynamic stability) indicates that this missense variant is expected to disrupt FBN3 protein function with a positive predictive value of 80%. In summary, the available evidence is currently insufficient to determine the role of this variant in disease. Therefore, it has been classified as a Variant of Uncertain Significance.

NM_032447.5(FBN3):c.2387G>T (p.Arg796Leu)

Gene: FBN3 (fibrillin 3; minus strand). Cytogenetic location: 19p13.2.
Variant type: single nucleotide variant.
Coding change: c.2387G>T on transcript NM_032447.5 (MANE Select); coding-DNA position 2387, G replaced by T.
Protein change: p.Arg796Leu; replaces arginine 796 with leucine.
Molecular consequence: missense variant.
Genome position (GRCh38, 1-based): chr19:8,126,742, C>A on the plus strand (G>T on the coding strand, the complement: FBN3 is on the minus strand). VCF-style: chr19-8126742-C-A. GRCh37 (hg19) VCF-style: chr19-8191626-C-A.
Other names: c.2387G>T, p.Arg796Leu (NM_001321431.2); short protein forms R796L.
Identifiers: ClinVar variation 4759615 (VCV004759615.1).
Genomic context (GRCh38, chr19:8,126,742, plus strand): 5'-TGGAACGCCGTCGGGCTCCGGGGCCGCTCACCTAGACAGAAGGTACCAGAGGGGTCCAGC[C>A]GGCTGCCAGGGCCACATTTGCAGGTGTAGGAGCCGGCCAGGTTCCGACAGACGCCACTCA-3'
Protein context (NP_115823.3, residues 786-806): SYTCKCGPGS[Arg796Leu]LDPSGTFCLD